The following is an entry in ClinVar:

ClinVar aggregate classification (germline): Uncertain significance (1 of 4 stars; one submission).

Conditions:
Familial sleep-related hypermotor epilepsy. Also called: Autosomal Dominant Sleep-Related Hypermotor (Hyperkinetic) Epilepsy. Identifiers: Orphanet 98784, MedGen C3696898, MONDO:0000030.

Allele frequency attached by ClinVar (database versions not stated): gnomAD 0.00001.
gnomAD v4.1: 1 of 1,567,384 alleles (0.000064%); highest among the groups gnomAD compares: Non-Finnish European, 0.000086%; no homozygotes.

Submission:

Labcorp Genetics (formerly Invitae), Labcorp
Classification: Uncertain significance. Last evaluated: 2021-09-17. Review status: criteria provided, single submitter. Criteria: Invitae Variant Classification Sherloc (09022015). Collection method: clinical testing. Allele origin: germline.
Comment: This variant is not present in population databases (ExAC no frequency). In summary, the available evidence is currently insufficient to determine the role of this variant in disease. Therefore, it has been classified as a Variant of Uncertain Significance. Algorithms developed to predict the effect of missense changes on protein structure and function are either unavailable or do not agree on the potential impact of this missense change (SIFT: "Deleterious"; PolyPhen-2: "Possibly Damaging"; Align-GVGD: "Class C0"). This variant has not been reported in the literature in individuals affected with CHRNA4-related conditions. This sequence change replaces arginine with serine at codon 221 of the CHRNA4 protein (p.Arg221Ser). The arginine residue is weakly conserved and there is a moderate physicochemical difference between arginine and serine.

NM_000744.7(CHRNA4):c.663G>C (p.Arg221Ser)

Gene: CHRNA4 (cholinergic receptor nicotinic alpha 4 subunit; minus strand). Cytogenetic location: 20q13.33.
Variant type: single nucleotide variant.
Coding change: c.663G>C on transcript NM_000744.7 (MANE Select); coding-DNA position 663, G replaced by C.
Protein change: p.Arg221Ser; replaces arginine 221 with serine.
Molecular consequence: missense variant. On other transcripts: non-coding transcript variant (1).
Genome position (GRCh38, 1-based): chr20:63,350,748, C>G on the plus strand (G>C on the coding strand, the complement: CHRNA4 is on the minus strand). VCF-style: chr20-63350748-C-G. GRCh37 (hg19) VCF-style: chr20-61982100-C-G.
Other names: c.135G>C, p.Arg45Ser (NM_001256573.2); short protein forms R45S, R221S.
Identifiers: ClinVar variation 1391736 (VCV001391736.6), dbSNP rs1174421657, ClinGen allele CA409637263.